The following is an entry in ClinVar:

ClinVar aggregate classification (germline): Uncertain significance. Review status: criteria provided, multiple submitters, no conflicts (2 of 4 stars). 2 submissions from 2 submitters: Uncertain significance (2). Last evaluated 2025-02-06.

Allele frequency attached by ClinVar (database versions not stated): TOPMed below 0.00001; gnomAD exomes 0.00003.
gnomAD v4.1: 44 of 1,614,060 alleles (0.0027%); highest among the groups gnomAD compares: Non-Finnish European, 0.0036%; no homozygotes.

Submissions (2):

Ambry Genetics
Classification: Uncertain significance. Last evaluated: 2025-02-06. Review status: criteria provided, single submitter. Criteria: Ambry Variant Classification Scheme 2023. Collection method: clinical testing. Allele origin: germline.

Labcorp Genetics (formerly Invitae), Labcorp
Classification: Uncertain significance. Last evaluated: 2022-09-06. Review status: criteria provided, single submitter. Criteria: Invitae Variant Classification Sherloc (09022015). Collection method: clinical testing. Allele origin: germline.
Comment: This sequence change replaces alanine, which is neutral and non-polar, with threonine, which is neutral and polar, at codon 2618 of the FAT2 protein (p.Ala2618Thr). This variant is present in population databases (rs754065818, gnomAD 0.002%). This variant has not been reported in the literature in individuals affected with FAT2-related conditions. Algorithms developed to predict the effect of missense changes on protein structure and function (SIFT, PolyPhen-2, Align-GVGD) all suggest that this variant is likely to be disruptive. In summary, the available evidence is currently insufficient to determine the role of this variant in disease. Therefore, it has been classified as a Variant of Uncertain Significance.

NM_001447.3(FAT2):c.7852G>A (p.Ala2618Thr)

Genes: FAT2 (FAT atypical cadherin 2; minus strand), SLC36A1 (solute carrier family 36 member 1; plus strand). Cytogenetic location: 5q33.1.
Variant type: single nucleotide variant.
Coding change: c.7852G>A on transcript NM_001447.3 (MANE Select); coding-DNA position 7852, G replaced by A.
Protein change: p.Ala2618Thr; replaces alanine 2618 with threonine.
Molecular consequence: missense variant.
Genome position (GRCh38, 1-based): chr5:151,543,275, C>T on the plus strand (G>A on the coding strand, the complement: FAT2 is on the minus strand). VCF-style: chr5-151543275-C-T. GRCh37 (hg19) VCF-style: chr5-150922836-C-T.
Other names: c.7852G>A (NM_001447.2); short protein forms A2618T.
Identifiers: ClinVar variation 2171673 (VCV002171673.5), dbSNP rs754065818, ClinGen allele CA129958455.
Genomic context (GRCh38, chr5:151,543,275, plus strand): 5'-GGTTAATTTCAATGACATCTTTAACTAGGTCCTCTGGGTTCACTGAGTAGGTGACATCTG[C>T]GTTCTGACCTTCATCTGCATCATAGGCCAACACCTGGATAACCGGAGAGTCTTTACTGAC-3'
Protein context (NP_001438.1, residues 2608-2628): LAYDADEGQN[Ala2618Thr]DVTYSVNPED